The following is an entry in ClinVar:

ClinVar aggregate classification (germline): Uncertain significance (1 of 4 stars; one submission).

Submission:

Labcorp Genetics (formerly Invitae), Labcorp
Classification: Uncertain significance. Last evaluated: 2024-08-23. Review status: criteria provided, single submitter. Criteria: Invitae Variant Classification Sherloc (09022015). Collection method: clinical testing. Allele origin: germline.
Comment: This sequence change replaces lysine, which is basic and polar, with arginine, which is basic and polar, at codon 459 of the SRP72 protein (p.Lys459Arg). This variant is not present in population databases (gnomAD no frequency). This variant has not been reported in the literature in individuals affected with SRP72-related conditions. Invitae Evidence Modeling of protein sequence and biophysical properties (such as structural, functional, and spatial information, amino acid conservation, physicochemical variation, residue mobility, and thermodynamic stability) indicates that this missense variant is not expected to disrupt SRP72 protein function with a negative predictive value of 80%. In summary, the available evidence is currently insufficient to determine the role of this variant in disease. Therefore, it has been classified as a Variant of Uncertain Significance.

NM_006947.4(SRP72):c.1376A>G (p.Lys459Arg)

Gene: SRP72 (signal recognition particle 72; plus strand). Cytogenetic location: 4q12.
Variant type: single nucleotide variant.
Coding change: c.1376A>G on transcript NM_006947.4 (MANE Select); coding-DNA position 1376, A replaced by G.
Protein change: p.Lys459Arg; replaces lysine 459 with arginine.
Molecular consequence: missense variant. On other transcripts: non-coding transcript variant (1).
Genome position (GRCh38, 1-based): chr4:56,490,388, A>G. VCF-style: chr4-56490388-A-G. GRCh37 (hg19) VCF-style: chr4-57356554-A-G.
Other names: c.1193A>G, p.Lys398Arg (NM_001267722.2); short protein forms K398R, K459R.
Identifiers: ClinVar variation 3663287 (VCV003663287.2).